The following is an entry in ClinVar:

ClinVar aggregate classification (germline): Benign (1 of 4 stars; one submission).

Conditions:
Bartsocas-Papas syndrome 1. Also called: MULTIPLE PTERYGIUM SYNDROME, ASLAN TYPE; PTERYGIUM, POPLITEAL, LETHAL TYPE; Bartsocas-Papas syndrome. Identifiers: Orphanet 1234, MedGen C1849718, MONDO:0009901, OMIM 263650.

Allele frequency attached by ClinVar (database versions not stated): TOPMed 0.00561; 1000 Genomes Project 0.00579; 1000 Genomes Project 30x 0.00687.
gnomAD v4.1: 953 of 569,590 alleles (0.17%); highest among the groups gnomAD compares: African/African-American, 1.6%; 11 homozygotes.

Submissions (2):

Illumina Laboratory Services, Illumina
Classification: Benign for Bartsocas-Papas syndrome 1. Last evaluated: 2017-04-27. Review status: criteria provided, single submitter. Criteria: ICSL Variant Classification Criteria 13 December 2019. Collection method: clinical testing. Allele origin: germline.
Comment: This variant was observed as part of a predisposition screen in an ostensibly healthy population. A literature search was performed for the gene, cDNA change, and amino acid change (where applicable). No publications were found based on this search. Allele frequency data from public databases was too high to be consistent with this variant causing disease. Therefore, this variant is classified as benign.

Dr. Peter K. Rogan Lab, Western University
No classification provided (evidence only). Condition: Uterine corpus endometrial carcinoma. Review status: no classification provided. Collection method: in vitro. Allele origin: not applicable. Functional consequence: retained intron. Not counted in ClinVar's aggregate classification.

NM_020639.3(RIPK4):c.*215G>C

Gene: RIPK4 (receptor interacting serine/threonine kinase 4; minus strand). Cytogenetic location: 21q22.3.
Variant type: single nucleotide variant.
Coding change: c.*215G>C on transcript NM_020639.3 (MANE Select); 215 bases downstream of the stop codon, G replaced by C.
Molecular consequence: 3 prime UTR variant.
Genome position (GRCh38, 1-based): chr21:41,740,623, C>G on the plus strand (G>C on the coding strand, the complement: RIPK4 is on the minus strand). VCF-style: chr21-41740623-C-G. GRCh37 (hg19) VCF-style: chr21-43160783-C-G.
Other names: NC_000021.8:g.43160783C>G.
Identifiers: ClinVar variation 899359 (VCV000899359.5), dbSNP rs115041500, ClinGen allele CA321453024.
Genomic context (GRCh38, chr21:41,740,623, plus strand): 5'-ATTAGGAGCACAACGAAATGATTCTGACCCACGGTCCCTTCAGACAGCAGGTGCCTAGAT[C>G]GATGATGGAGCGGGCATGTGCACCTGAGCCAGCTTCACCTGGAGGGGACACTCCGGTCAG-3'